The following is an entry in ClinVar:

NM_020436.5(SALL4):c.1242_1245del (p.Cys415fs)

Gene: SALL4 (spalt like transcription factor 4; minus strand). Cytogenetic location: 20q13.2.
Variant type: Microsatellite.
Coding change: c.1242_1245del on transcript NM_020436.5 (MANE Select); coding-DNA positions 1242 to 1245, 4 bases deleted (CTGT; older notation c.1242_1245delCTGT).
Protein change: p.Cys415fs; shifts the reading frame from cysteine 415.
Molecular consequence: frameshift variant. On other transcripts: intron variant (1).
Genome position (GRCh38, 1-based): chr20:51,791,238-51,791,241, ACAG deleted on the plus strand (CTGT on the coding strand, the reverse complement: SALL4 is on the minus strand); deleting any 4 consecutive bases within chr20:51,791,238-51,791,246 gives the same sequence; the c. name uses the placement nearest the transcript's 3' end. VCF-style (leftmost placement, unchanged base first): chr20-51791237-CACAG-C. GRCh37 (hg19) VCF-style: chr20-50407776-CACAG-C.
Other names: c.1150+92_1150+95del (NM_001318031.2); short protein forms C415fs.
Identifiers: ClinVar variation 2633659 (VCV002633659.6), dbSNP rs2515716795, ClinGen allele CA2695201409.

ClinVar aggregate classification (germline): Pathogenic. Review status: criteria provided, multiple submitters, no conflicts (2 of 4 stars). 3 submissions from 3 submitters: Pathogenic (3). Last evaluated 2025-10-21.

Conditions:
Duane-radial ray syndrome (DRRS). Also called: Okihiro Syndrome; ACRORENOOCULAR SYNDROME; DR SYNDROME; DUANE ANOMALY WITH RADIAL RAY ABNORMALITIES AND DEAFNESS; Duane-Radial Ray Syndrome (DRRS) / Okihiro Syndrome; Duane-Radial Ray Syndrome/Okihiro Syndrome. Identifiers: Orphanet 93293, Orphanet 959, MedGen C1623209, MONDO:0011812, OMIM 607323. Disease mechanism: gain of function.
SALL4-Related Disorders. Also called: SALL4-related disorder; SALL4-related condition. Identifiers: MedGen CN381056.

Submissions (3):

PreventionGenetics, part of Exact Sciences
Classification: Pathogenic for SALL4-related condition. Last evaluated: 2025-10-21. Review status: criteria provided, single submitter. Criteria: ACMG Guidelines, 2015. Collection method: clinical testing. Allele origin: germline.
Comment: The SALL4 c.1242_1245delCTGT variant is predicted to result in a frameshift and premature protein termination (p.Cys415Valfs*20). This variant has been reported in an individual with Okihiro syndrome (Table 1, Jourdain et al 2020. PubMed ID: 31502745). This variant has not been reported in a large population database, indicating this variant is rare. Frameshift variants in SALL4 are expected to be pathogenic. This variant is interpreted as pathogenic.

Genomic Medicine Center of Excellence, King Faisal Specialist Hospital and Research Centre
Classification: Pathogenic for Duane-radial ray syndrome. Last evaluated: 2025-09-10. Review status: criteria provided, single submitter. Criteria: ACMG Guidelines, 2015. Collection method: clinical testing. Allele origin: germline.

Labcorp Genetics (formerly Invitae), Labcorp
Classification: Pathogenic for Duane-radial ray syndrome. Last evaluated: 2025-03-17. Review status: criteria provided, single submitter. Criteria: Invitae Variant Classification Sherloc (09022015). Collection method: clinical testing. Allele origin: germline.
Comment: This sequence change creates a premature translational stop signal (p.Cys415Valfs*20) in the SALL4 gene. It is expected to result in an absent or disrupted protein product. Loss-of-function variants in SALL4 are known to be pathogenic (PMID: 15342710, 16086360). This variant is not present in population databases (gnomAD no frequency). This premature translational stop signal has been observed in individual(s) with Okihiro syndrome (PMID: 31502745). For these reasons, this variant has been classified as Pathogenic.

Literature cited by the submitters: PubMed 15342710 (cited by Labcorp Genetics (formerly Invitae), Labcorp); PubMed 16086360 (cited by Labcorp Genetics (formerly Invitae), Labcorp); PubMed 31502745 (cited by Labcorp Genetics (formerly Invitae), Labcorp).